The following is an entry in ClinVar:

ClinVar aggregate classification (germline): Uncertain significance. Review status: criteria provided, multiple submitters, no conflicts (2 of 4 stars). 3 submissions from 3 submitters: Uncertain significance (3). Last evaluated 2025-08-21.

Conditions:
Inborn genetic diseases. Identifiers: MedGen C0950123, MeSH D030342.
Congenital myotonia, autosomal recessive form. Also called: BECKER DISEASE; Becker Generalized Myotonia; myotonia congenita, autosomal recessive. Identifiers: Orphanet 614, MedGen C0751360, MONDO:0009715, OMIM 255700.
Congenital myotonia, autosomal dominant form (THD). Also called: THOMSEN DISEASE; Myotonia congenita autosomal dominant. Identifiers: Orphanet 614, MedGen C2936781, MONDO:0008055, OMIM 160800.

Allele frequency attached by ClinVar (database versions not stated): gnomAD 0.00001; gnomAD exomes 0.00002; TOPMed 0.00002; ExAC 0.00003.
gnomAD v4.1: 33 of 1,611,178 alleles (0.002%); highest among the groups gnomAD compares: South Asian, 0.0044%; no homozygotes.

Submissions (3):

Labcorp Genetics (formerly Invitae), Labcorp
Classification: Uncertain significance for Congenital myotonia, autosomal recessive form; Congenital myotonia, autosomal dominant form. Last evaluated: 2025-08-21. Review status: criteria provided, single submitter. Criteria: Invitae Variant Classification Sherloc (09022015). Collection method: clinical testing. Allele origin: germline.
Comment: This sequence change replaces arginine, which is basic and polar, with glutamine, which is neutral and polar, at codon 47 of the CLCN1 protein (p.Arg47Gln). This variant is present in population databases (rs747166328, gnomAD 0.003%). This variant has not been reported in the literature in individuals affected with CLCN1-related conditions. ClinVar contains an entry for this variant (Variation ID: 2069614). Invitae Evidence Modeling of protein sequence and biophysical properties (such as structural, functional, and spatial information, amino acid conservation, physicochemical variation, residue mobility, and thermodynamic stability) indicates that this missense variant is not expected to disrupt CLCN1 protein function with a negative predictive value of 95%. In summary, the available evidence is currently insufficient to determine the role of this variant in disease. Therefore, it has been classified as a Variant of Uncertain Significance.

Ambry Genetics
Classification: Uncertain significance for Inborn genetic diseases. Last evaluated: 2025-01-08. Review status: criteria provided, single submitter. Criteria: Ambry Variant Classification Scheme 2023. Collection method: clinical testing. Allele origin: germline.

Revvity Omics, Revvity
Classification: Uncertain significance. Last evaluated: 2021-04-13. Review status: criteria provided, single submitter. Criteria: ACMG Guidelines, 2015. Collection method: clinical testing. Allele origin: germline.

NM_000083.3(CLCN1):c.140G>A (p.Arg47Gln)

Gene: CLCN1 (chloride voltage-gated channel 1; plus strand). Cytogenetic location: 7q34.
Variant type: single nucleotide variant.
Coding change: c.140G>A on transcript NM_000083.3 (MANE Select); coding-DNA position 140, G replaced by A.
Protein change: p.Arg47Gln; replaces arginine 47 with glutamine.
Molecular consequence: missense variant. On other transcripts: non-coding transcript variant (1).
Genome position (GRCh38, 1-based): chr7:143,316,352, G>A. VCF-style: chr7-143316352-G-A. GRCh37 (hg19) VCF-style: chr7-143013445-G-A.
Other names: c.140G>A (NM_000083.2); short protein forms R47Q.
Identifiers: ClinVar variation 2069614 (VCV002069614.6), dbSNP rs747166328, ClinGen allele CA4536829.
Genomic context (GRCh38, chr7:143,316,352, plus strand): 5'-TTGAACACTGCACCAGCTACGGACTGCCCTCTGAGAATGGGGGCCTCCAGCACAGGCTCC[G>A]GAAGGATGCAGGCCCCCGCCACAACGTCCACCCCACACAGGTAAAGTGCTCTAAGGGGAG-3'
Protein context (NP_000074.3, residues 37-57): SENGGLQHRL[Arg47Gln]KDAGPRHNVH